The following is an entry in ClinVar:

NM_000045.4(ARG1):c.83C>T (p.Pro28Leu)

Genes: ARG1 (arginase 1; plus strand), MED23 (mediator complex subunit 23; minus strand). Cytogenetic location: 6q23.2.
Variant type: single nucleotide variant.
Coding change: c.83C>T on transcript NM_000045.4 (MANE Select); coding-DNA position 83, C replaced by T.
Protein change: p.Pro28Leu; replaces proline 28 with leucine.
Molecular consequence: missense variant. On other transcripts: intron variant (2).
Genome position (GRCh38, 1-based): chr6:131,576,688, C>T. VCF-style: chr6-131576688-C-T. GRCh37 (hg19) VCF-style: chr6-131897828-C-T.
Other names: c.83C>T, p.Pro28Leu (NM_001244438.2, NM_001369020.1); c.4078-2393G>A (NM_001270521.2); c.4096-2393G>A (NM_015979.4); short protein forms P28L.
Identifiers: ClinVar variation 374750 (VCV000374750.41), dbSNP rs1057519231, ClinGen allele CA16043880.

ClinVar aggregate classification (germline): Uncertain significance (1 of 4 stars; one submission).

Submission:

CeGaT Center for Human Genetics Tuebingen
Classification: Uncertain significance. Last evaluated: 2026-06-01. Review status: criteria provided, single submitter. Criteria: CeGaT Center For Human Genetics Tuebingen Variant Classification Criteria Version 2. Collection method: clinical testing. Allele origin: germline. Affected: yes. Observed: 2 variant alleles.
Comment: ARG1: PM2, PP4:Moderate, PM3:Supporting